The following is an entry in ClinVar:

NM_020163.3(SEMA3G):c.237C>T (p.Tyr79=)

Gene: SEMA3G (semaphorin 3G; minus strand). Cytogenetic location: 3p21.1.
Variant type: single nucleotide variant.
Coding change: c.237C>T on transcript NM_020163.3 (MANE Select); coding-DNA position 237, C replaced by T.
Protein change: p.Tyr79=; no amino-acid change (tyrosine 79 retained).
Molecular consequence: synonymous variant.
Genome position (GRCh38, 1-based): chr3:52,442,786, G>A on the plus strand (C>T on the coding strand, the complement: SEMA3G is on the minus strand). VCF-style: chr3-52442786-G-A. GRCh37 (hg19) VCF-style: chr3-52476802-G-A.
Identifiers: ClinVar variation 3353341 (VCV003353341.1).
Genomic context (GRCh38, chr3:52,442,786, plus strand): 5'-TTCCCTGCCAGTCCAGCTCACCTCCCGGGGATCTGGCCATGCCTGGTCCAGCCGCAGAGA[G>A]TAGAGGGCGTCCAGGCCACCCAGAAAGAGGCGGTCTCGGTACTCATCTAGGTACATGGCC-3'
Protein context (NP_064548.1, residues 69-89): RLFLGGLDAL[Tyr79=]SLRLDQAWPD

ClinVar aggregate classification (germline): Likely benign (0 of 4 stars; one submission).

Conditions:
SEMA3G-related disorder. Also called: SEMA3G-related condition.

Submission:

PreventionGenetics, part of Exact Sciences
Classification: Likely benign for SEMA3G-related condition. Last evaluated: 2022-08-18. Review status: no assertion criteria provided. Collection method: clinical testing. Allele origin: germline.
Comment: This variant is classified as likely benign based on ACMG/AMP sequence variant interpretation guidelines (Richards et al. 2015 PMID: 25741868, with internal and published modifications).